The following is an entry in ClinVar:

ClinVar aggregate classification (germline): Uncertain significance (1 of 4 stars; one submission).

Conditions:
Long QT syndrome (LQTS). Identifiers: MedGen C0023976, MeSH D008133, MONDO:0002442. Disease mechanism: loss of function. Inheritance: Various modes of inheritance.

gnomAD v4.1: 4 of 1,613,878 alleles (0.00025%); highest among the groups gnomAD compares: South Asian, 0.0044%; no homozygotes.

Submission:

Labcorp Genetics (formerly Invitae), Labcorp
Classification: Uncertain significance for Long QT syndrome. Last evaluated: 2025-10-05. Review status: criteria provided, single submitter. Criteria: Invitae Variant Classification Sherloc (09022015). Collection method: clinical testing. Allele origin: germline.
Comment: This sequence change replaces glycine, which is neutral and non-polar, with valine, which is neutral and non-polar, at codon 1546 of the ANK2 protein (p.Gly1546Val). This variant is not present in population databases (gnomAD no frequency). This variant has not been reported in the literature in individuals affected with ANK2-related conditions. Invitae Evidence Modeling of protein sequence and biophysical properties (such as structural, functional, and spatial information, amino acid conservation, physicochemical variation, residue mobility, and thermodynamic stability) indicates that this missense variant is expected to disrupt ANK2 protein function with a positive predictive value of 80%. In summary, the available evidence is currently insufficient to determine the role of this variant in disease. Therefore, it has been classified as a Variant of Uncertain Significance.

NM_001148.6(ANK2):c.4637G>T (p.Gly1546Val)

Gene: ANK2 (ankyrin 2; plus strand). Cytogenetic location: 4q26.
Variant type: single nucleotide variant.
Coding change: c.4637G>T on transcript NM_001148.6 (MANE Select); coding-DNA position 4637, G replaced by T.
Protein change: p.Gly1546Val; replaces glycine 1546 with valine.
Molecular consequence: missense variant. On other transcripts: intron variant (68).
Genome position (GRCh38, 1-based): chr4:113,353,255, G>T. VCF-style: chr4-113353255-G-T. GRCh37 (hg19) VCF-style: chr4-114274411-G-T.
Other names: c.4403G>T, p.Gly1468Val (NM_001386142.1); c.1037G>T, p.Gly346Val (NM_001386166.1); c.4778G>T, p.Gly1593Val (NM_001386174.1); c.4754G>T, p.Gly1585Val (NM_001386175.1); c.4411+3006G>T (NM_001386186.2, NM_001386148.2); c.4213+3006G>T (NM_001354269.3); c.4291+3006G>T (NM_001386187.2); c.4252+3006G>T (NM_001386147.1); and 35 more; short protein forms G1468V, G1546V, G1585V, G1593V, G346V.
Identifiers: ClinVar variation 4803761 (VCV004803761.1).